The following is an entry in ClinVar:

NM_001282684.2(KCTD17):c.475C>T (p.Arg159Cys)

Gene: KCTD17 (potassium channel tetramerization domain containing 17; plus strand). Cytogenetic location: 22q12.3.
Variant type: single nucleotide variant.
Coding change: c.475C>T on transcript NM_001282684.2 (MANE Select); coding-DNA position 475, C replaced by T.
Protein change: p.Arg159Cys; replaces arginine 159 with cysteine.
Molecular consequence: missense variant.
Genome position (GRCh38, 1-based): chr22:37,057,482, C>T. VCF-style: chr22-37057482-C-T. GRCh37 (hg19) VCF-style: chr22-37453522-C-T.
Other names: c.475C>T, p.Arg159Cys (NM_001282685.2, NM_001282686.2, NM_024681.4); c.496C>T (NM_024681.2); short protein forms R159C.
Identifiers: ClinVar variation 2068942 (VCV002068942.5), dbSNP rs140838957, ClinGen allele CA10215038.

ClinVar aggregate classification (germline): Uncertain significance. Review status: criteria provided, multiple submitters, no conflicts (2 of 4 stars). 2 submissions from 2 submitters: Uncertain significance (2). Last evaluated 2023-12-15.

Conditions:
Myoclonic dystonia 26. Identifiers: MedGen C4225341, MONDO:0014620, OMIM 616398.
Inborn genetic diseases. Identifiers: MedGen C0950123, MeSH D030342.

Allele frequency attached by ClinVar (database versions not stated): gnomAD exomes 0.00002; TOPMed 0.00003; ESP Exome Variant Server 0.00008; gnomAD 0.00002; ExAC 0.00012.
gnomAD v4.1: 33 of 1,611,342 alleles (0.002%); highest among the groups gnomAD compares: East Asian, 0.029%; no homozygotes.

Submissions (2):

Ambry Genetics
Classification: Uncertain significance for Inborn genetic diseases. Last evaluated: 2023-12-15. Review status: criteria provided, single submitter. Criteria: Ambry Variant Classification Scheme 2023. Collection method: clinical testing. Allele origin: germline.

Labcorp Genetics (formerly Invitae), Labcorp
Classification: Uncertain significance for Myoclonic dystonia 26. Last evaluated: 2023-05-11. Review status: criteria provided, single submitter. Criteria: Invitae Variant Classification Sherloc (09022015). Collection method: clinical testing. Allele origin: germline.
Comment: In summary, the available evidence is currently insufficient to determine the role of this variant in disease. Therefore, it has been classified as a Variant of Uncertain Significance. This sequence change replaces arginine, which is basic and polar, with cysteine, which is neutral and slightly polar, at codon 166 of the KCTD17 protein (p.Arg166Cys). This variant is present in population databases (rs140838957, gnomAD 0.05%), and has an allele count higher than expected for a pathogenic variant. This variant has not been reported in the literature in individuals affected with KCTD17-related conditions. ClinVar contains an entry for this variant (Variation ID: 2068942). An algorithm developed to predict the effect of missense changes on protein structure and function (PolyPhen-2) suggests that this variant is likely to be disruptive.